The following is an entry in ClinVar:

NM_001164277.2(SLC37A4):c.68T>A (p.Leu23Gln)

Gene: SLC37A4 (solute carrier family 37 member 4; minus strand). Cytogenetic location: 11q23.3.
Variant type: single nucleotide variant.
Coding change: c.68T>A on transcript NM_001164277.2 (MANE Select); coding-DNA position 68, T replaced by A.
Protein change: p.Leu23Gln; replaces leucine 23 with glutamine.
Molecular consequence: missense variant. On other transcripts: intron variant (1).
Genome position (GRCh38, 1-based): chr11:119,029,302, A>T on the plus strand (T>A on the coding strand, the complement: SLC37A4 is on the minus strand). VCF-style: chr11-119029302-A-T. GRCh37 (hg19) VCF-style: chr11-118900012-A-T.
Other names: c.68T>A, p.Leu23Gln (NM_001164278.2, NM_001164280.2, NM_001467.6); c.-172+90T>A (NM_001164279.2); short protein forms L23Q.
Identifiers: ClinVar variation 1055149 (VCV001055149.6), dbSNP rs781982938, ClinGen allele CA382908634.

ClinVar aggregate classification (germline): Uncertain significance. Review status: criteria provided, multiple submitters, no conflicts (2 of 4 stars). 2 submissions from 2 submitters: Uncertain significance (2). Last evaluated 2025-10-03.

Conditions:
Congenital disorder of glycosylation, type IIw. Identifiers: MedGen C5561986, MONDO:0030437, OMIM 619525.
Glucose-6-phosphate transport defect (GSD1B). Also called: Glycogen Storage Disease Type Ib; GSD Ib. Identifiers: Orphanet 364, Orphanet 79259, MedGen C0268146, MONDO:0009288, OMIM 232220.

Allele frequency attached by ClinVar (database versions not stated): gnomAD exomes 0.00001.

Submissions (2):

Labcorp Genetics (formerly Invitae), Labcorp
Classification: Uncertain significance for Glucose-6-phosphate transport defect. Last evaluated: 2025-10-03. Review status: criteria provided, single submitter. Criteria: Invitae Variant Classification Sherloc (09022015). Collection method: clinical testing. Allele origin: germline.
Comment: This sequence change replaces leucine, which is neutral and non-polar, with glutamine, which is neutral and polar, at codon 23 of the SLC37A4 protein (p.Leu23Gln). This variant is present in population databases (no rsID available, gnomAD 0.002%). This variant has not been reported in the literature in individuals affected with SLC37A4-related conditions. ClinVar contains an entry for this variant (Variation ID: 1055149). Invitae Evidence Modeling of protein sequence and biophysical properties (such as structural, functional, and spatial information, amino acid conservation, physicochemical variation, residue mobility, and thermodynamic stability) indicates that this missense variant is expected to disrupt SLC37A4 protein function with a positive predictive value of 80%. In summary, the available evidence is currently insufficient to determine the role of this variant in disease. Therefore, it has been classified as a Variant of Uncertain Significance.

3billion
Classification: Uncertain significance for Congenital disorder of glycosylation, type IIw. Last evaluated: 2024-01-25. Review status: criteria provided, single submitter. Criteria: ACMG Guidelines, 2015. Collection method: clinical testing. Allele origin: germline. Affected: yes.
Comment: The variant is observed at an extremely low frequency in the gnomAD v2.1.1 dataset (total allele frequency: 0.001%). Predicted Consequence/Location: The majority of the known disease-causing variants of this gene are variants expected to result in premature termination of the protein. Damaging effect on gene or gene product predicted by in silico programs is uncertain [3Cnet: 0.23 (damaging >=0.6, benign <0.15)]. A different missense change at the same codon (p.Leu23Arg) has been reported to be associated with SLC37A4-related disorder (PMID: 21575371). However the evidence of pathogenicity is insufficient at this time. Therefore, this variant is classified as VUS according to the recommendation of ACMG/AMP guideline.

Literature cited by the submitters: PubMed 21575371 (cited by 3billion).